The following is an entry in ClinVar:

NM_001367624.2(ZNF469):c.7148C>G (p.Pro2383Arg)

Gene: ZNF469 (zinc finger protein 469; plus strand). Cytogenetic location: 16q24.2.
Variant type: single nucleotide variant.
Coding change: c.7148C>G on transcript NM_001367624.2 (MANE Select); coding-DNA position 7148, C replaced by G.
Protein change: p.Pro2383Arg; replaces proline 2383 with arginine.
Molecular consequence: missense variant.
Genome position (GRCh38, 1-based): chr16:88,434,618, C>G. VCF-style: chr16-88434618-C-G. GRCh37 (hg19) VCF-style: chr16-88501026-C-G.
Other names: short protein forms P2383R.
Identifiers: ClinVar variation 4535564 (VCV004535564.1).

ClinVar aggregate classification (germline): Uncertain significance (1 of 4 stars; one submission).

Submission:

Women's Health and Genetics/Laboratory Corporation of America, LabCorp
Classification: Uncertain significance. Last evaluated: 2025-09-12. Review status: criteria provided, single submitter. Criteria: LabCorp Variant Classification Summary - May 2015. Collection method: clinical testing. Allele origin: germline.
Comment: Variant summary: ZNF469 c.7148C>G (p.Pro2383Arg) results in a non-conservative amino acid change in the encoded protein sequence. Algorithms developed to predict the effect of missense changes on protein structure and function are either unavailable or do not agree on the potential impact of this missense change. The frequency data for this variant in gnomAD is considered unreliable, as metrics indicate poor data quality at this position. To our knowledge, no occurrence of c.7148C>G in individuals affected with ZNF469-related conditions and no experimental evidence demonstrating its impact on protein function have been reported. No submitters have cited clinical-significance assessments for this variant to ClinVar. Based on the evidence outlined above, the variant was classified as uncertain significance.